The following is an entry in ClinVar:

NM_004168.4(SDHA):c.1834G>A (p.Gly612Arg)

Gene: SDHA (succinate dehydrogenase complex flavoprotein subunit A; plus strand). Cytogenetic location: 5p15.33.
Variant type: single nucleotide variant.
Coding change: c.1834G>A on transcript NM_004168.4 (MANE Select); coding-DNA position 1834, G replaced by A.
Protein change: p.Gly612Arg; replaces glycine 612 with arginine.
Molecular consequence: missense variant.
Genome position (GRCh38, 1-based): chr5:254,432, G>A. VCF-style: chr5-254432-G-A. GRCh37 (hg19) VCF-style: chr5-254547-G-A.
Other names: c.1690G>A, p.Gly564Arg (NM_001294332.2); c.1591G>A, p.Gly531Arg (NM_001330758.2); c.1834G>A (NM_004168.2); short protein forms G531R, G564R, G612R.
Identifiers: ClinVar variation 1026976 (VCV001026976.14), dbSNP rs1737047578, ClinGen allele CA359001848.

ClinVar aggregate classification (germline): Uncertain significance. Review status: criteria provided, multiple submitters, no conflicts (2 of 4 stars). 2 submissions from 2 submitters: Uncertain significance (2). Last evaluated 2026-07-07.

Conditions:
Hereditary cancer-predisposing syndrome. Also called: Tumor predisposition; Hereditary Cancer Syndrome; Hereditary neoplastic syndrome; Neoplastic Syndromes, Hereditary. Identifiers: Orphanet 140162, MedGen C0027672, MeSH D009386, MONDO:0015356.
Mitochondrial complex II deficiency, nuclear type 1. Also called: SUCCINATE CoQ REDUCTASE DEFICIENCY. Identifiers: Orphanet 3208, MedGen C5700310, MONDO:0100294, OMIM 252011.
Pheochromocytoma/paraganglioma syndrome 5. Also called: Paragangliomas 5; SDHA-Related Hereditary Paraganglioma-Pheochromocytoma Syndrome. Identifiers: Orphanet 29072, MedGen C3279992, MONDO:0013602, OMIM 614165.

Allele frequency attached by ClinVar (database versions not stated): gnomAD exomes below 0.00001.
gnomAD v4.1: 5 of 1,602,998 alleles (0.00031%); highest among the groups gnomAD compares: Non-Finnish European, 0.00043%; no homozygotes.

Submissions (2):

Ambry Genetics
Classification: Uncertain significance for Hereditary cancer-predisposing syndrome. Last evaluated: 2026-07-07. Review status: criteria provided, single submitter. Criteria: Ambry Variant Classification Scheme 2023. Collection method: clinical testing. Allele origin: germline.
Comment: The p.G612R variant (also known as c.1834G>A), located in coding exon 14 of the SDHA gene, results from a G to A substitution at nucleotide position 1834. The glycine at codon 612 is replaced by arginine, an amino acid with dissimilar properties. This amino acid position is conserved. In addition, this alteration is predicted to be deleterious by in silico analysis. Based on the available evidence, the clinical significance of this variant remains unclear.

Labcorp Genetics (formerly Invitae), Labcorp
Classification: Uncertain significance for Pheochromocytoma/paraganglioma syndrome 5; Mitochondrial complex II deficiency, nuclear type 1. Last evaluated: 2024-04-08. Review status: criteria provided, single submitter. Criteria: Invitae Variant Classification Sherloc (09022015). Collection method: clinical testing. Allele origin: germline.
Comment: This sequence change replaces glycine, which is neutral and non-polar, with arginine, which is basic and polar, at codon 612 of the SDHA protein (p.Gly612Arg). This variant is not present in population databases (gnomAD no frequency). This variant has not been reported in the literature in individuals affected with SDHA-related conditions. ClinVar contains an entry for this variant (Variation ID: 1026976). Advanced modeling of protein sequence and biophysical properties (such as structural, functional, and spatial information, amino acid conservation, physicochemical variation, residue mobility, and thermodynamic stability) has been performed at Invitae for this missense variant, however the output from this modeling did not meet the statistical confidence thresholds required to predict the impact of this variant on SDHA protein function. In summary, the available evidence is currently insufficient to determine the role of this variant in disease. Therefore, it has been classified as a Variant of Uncertain Significance.